The following is an entry in ClinVar:

NM_005733.3(KIF20A):c.545G>A (p.Arg182Gln)

Gene: KIF20A (kinesin family member 20A; plus strand). Cytogenetic location: 5q31.2.
Variant type: single nucleotide variant.
Coding change: c.545G>A on transcript NM_005733.3 (MANE Select); coding-DNA position 545, G replaced by A.
Protein change: p.Arg182Gln; replaces arginine 182 with glutamine.
Molecular consequence: missense variant.
Genome position (GRCh38, 1-based): chr5:138,182,616, G>A. VCF-style: chr5-138182616-G-A. GRCh37 (hg19) VCF-style: chr5-137518305-G-A.
Other names: short protein forms R182Q.
Identifiers: ClinVar variation 2759414 (VCV002759414.3), dbSNP rs148216162, ClinGen allele CA3426345.
Genomic context (GRCh38, chr5:138,182,616, plus strand): 5'-CTCAGCTGTCCATCTTTCATATGCCTCCAGGTACCATCAAGGATGGAGGGATTCTCCCCC[G>A]GTCCCTGGCGCTGATCTTCAATAGCCTCCAAGGCCAACTTCATCCAACACCTGATCTGAA-3'
Protein context (NP_005724.1, residues 172-192): GTIKDGGILP[Arg182Gln]SLALIFNSLQ

ClinVar aggregate classification (germline): Uncertain significance (1 of 4 stars; one submission).

Allele frequency attached by ClinVar (database versions not stated): TOPMed 0.00005; ESP Exome Variant Server 0.00008; ExAC 0.00006.
gnomAD v4.1: 119 of 1,614,030 alleles (0.0074%); highest among the groups gnomAD compares: Non-Finnish European, 0.0088%; no homozygotes.

Submission:

Labcorp Genetics (formerly Invitae), Labcorp
Classification: Uncertain significance. Last evaluated: 2026-01-21. Review status: criteria provided, single submitter. Criteria: Invitae Variant Classification Sherloc (09022015). Collection method: clinical testing. Allele origin: germline.
Comment: This sequence change replaces arginine, which is basic and polar, with glutamine, which is neutral and polar, at codon 182 of the KIF20A protein (p.Arg182Gln). This variant is present in population databases (rs148216162, gnomAD 0.02%). This variant has not been reported in the literature in individuals affected with KIF20A-related conditions. ClinVar contains an entry for this variant (Variation ID: 2759414). An algorithm developed to predict the effect of missense changes on protein structure and function outputs the following: PolyPhen-2: "Possibly Damaging". The glutamine amino acid residue is found in multiple mammalian species, which suggests that this missense change does not adversely affect protein function. In summary, the available evidence is currently insufficient to determine the role of this variant in disease. Therefore, it has been classified as a Variant of Uncertain Significance.